The following is an entry in ClinVar:

ClinVar aggregate classification (germline): Uncertain significance (1 of 4 stars; one submission).

Allele frequency attached by ClinVar (database versions not stated): gnomAD exomes below 0.00001.
gnomAD v4.1: 2 of 1,612,294 alleles (0.00012%); highest among the groups gnomAD compares: Non-Finnish European, 0.00017%; no homozygotes.

Submission:

Labcorp Genetics (formerly Invitae), Labcorp
Classification: Uncertain significance. Last evaluated: 2023-10-12. Review status: criteria provided, single submitter. Criteria: Invitae Variant Classification Sherloc (09022015). Collection method: clinical testing. Allele origin: germline.
Comment: This sequence change replaces glutamic acid, which is acidic and polar, with aspartic acid, which is acidic and polar, at codon 597 of the POLE protein (p.Glu597Asp). This variant is not present in population databases (gnomAD no frequency). This variant has not been reported in the literature in individuals affected with POLE-related conditions. ClinVar contains an entry for this variant (Variation ID: 665434). Advanced modeling of protein sequence and biophysical properties (such as structural, functional, and spatial information, amino acid conservation, physicochemical variation, residue mobility, and thermodynamic stability) performed at Invitae indicates that this missense variant is not expected to disrupt POLE protein function. In summary, the available evidence is currently insufficient to determine the role of this variant in disease. Therefore, it has been classified as a Variant of Uncertain Significance.

NM_006231.4(POLE):c.1791A>C (p.Glu597Asp)

Gene: POLE (DNA polymerase epsilon, catalytic subunit; minus strand). Cytogenetic location: 12q24.33.
Variant type: single nucleotide variant.
Coding change: c.1791A>C on transcript NM_006231.4 (MANE Select); coding-DNA position 1791, A replaced by C.
Protein change: p.Glu597Asp; replaces glutamic acid 597 with aspartic acid.
Molecular consequence: missense variant.
Genome position (GRCh38, 1-based): chr12:132,672,218, T>G on the plus strand (A>C on the coding strand, the complement: POLE is on the minus strand). VCF-style: chr12-132672218-T-G. GRCh37 (hg19) VCF-style: chr12-133248804-T-G.
Other names: short protein forms E597D.
Identifiers: ClinVar variation 665434 (VCV000665434.8), dbSNP rs1593069218, ClinGen allele CA387356210.